The following is an entry in ClinVar:

ClinVar aggregate classification (germline): Pathogenic. Review status: criteria provided, multiple submitters, no conflicts (2 of 4 stars). 2 submissions from 2 submitters: Pathogenic (2). Last evaluated 2023-05-05.

Conditions:
Familial adenomatous polyposis 1 (FAP1). Also called: POLYPOSIS, ADENOMATOUS INTESTINAL; FAMILIAL ADENOMATOUS POLYPOSIS 1, ATTENUATED. Identifiers: MedGen C2713442, MONDO:0021056, OMIM 175100. Disease mechanism: loss of function.

Submissions (2):

Myriad Genetics, Inc.
Classification: Pathogenic for Familial adenomatous polyposis 1. Last evaluated: 2023-05-05. Review status: criteria provided, single submitter. Criteria: Myriad Autosomal Dominant, Autosomal Recessive and X-Linked Classification Criteria (2023). Collection method: clinical testing. Allele origin: unknown.
Comment: This variant is considered pathogenic. This variant creates a frameshift predicted to result in premature protein truncation.

Labcorp Genetics (formerly Invitae), Labcorp
Classification: Pathogenic for Familial adenomatous polyposis 1. Last evaluated: 2022-12-03. Review status: criteria provided, single submitter. Criteria: Invitae Variant Classification Sherloc (09022015). Collection method: clinical testing. Allele origin: germline.
Comment: A different truncation (p.Tyr2645Lysfs*14) that lies downstream of this variant has been determined to be pathogenic (PMID: 9824584, 1316610, 27081525, 8381579, 22135120, Invitae). This suggests that deletion of this region of the APC protein is causative of disease. For these reasons, this variant has been classified as Pathogenic. This variant is expected to disrupt the EB1 and HDLG binding sites, which mediate interactions with the cytoskeleton (PMID: 15311282, 17293347). While functional studies have not been performed to directly test the effect on APC protein function, this suggests that disruption of the C-terminal portion of the protein is functionally important. ClinVar contains an entry for this variant (Variation ID: 469906). This variant is also known as c.3090_3091insA. This premature translational stop signal has been observed in individual(s) with familial adenomatous polyposis (FAP) (PMID: 19029688, 25832318). This variant is not present in population databases (gnomAD no frequency). This sequence change creates a premature translational stop signal (p.Tyr1031Ilefs*4) in the APC gene. While this is not anticipated to result in nonsense mediated decay, it is expected to disrupt the last 1813 amino acid(s) of the APC protein.

Literature cited by the submitters: PubMed 9824584 (cited by Labcorp Genetics (formerly Invitae), Labcorp); PubMed 1316610 (cited by Labcorp Genetics (formerly Invitae), Labcorp); PubMed 27081525 (cited by Labcorp Genetics (formerly Invitae), Labcorp); PubMed 8381579 (cited by Labcorp Genetics (formerly Invitae), Labcorp); PubMed 22135120 (cited by Labcorp Genetics (formerly Invitae), Labcorp); PubMed 15311282 (cited by Labcorp Genetics (formerly Invitae), Labcorp); PubMed 17293347 (cited by Labcorp Genetics (formerly Invitae), Labcorp); PubMed 19029688 (cited by Labcorp Genetics (formerly Invitae), Labcorp); PubMed 25832318 (cited by Labcorp Genetics (formerly Invitae), Labcorp).

NM_000038.6(APC):c.3090dup (p.Tyr1031fs)

Gene: APC (APC regulator of Wnt signaling pathway; plus strand). Cytogenetic location: 5q22.2.
Variant type: Duplication.
Coding change: c.3090dup on transcript NM_000038.6 (MANE Select); coding-DNA position 3090, one base duplicated (A; older notation c.3090dupA).
Protein change: p.Tyr1031fs; shifts the reading frame from tyrosine 1031.
Molecular consequence: frameshift variant.
Genome position (GRCh38, 1-based): chr5:112,838,684, A duplicated; the last of 3 consecutive A bases (chr5:112,838,682-112,838,684); duplicating any one gives the same sequence. VCF-style (leftmost placement, unchanged base first): chr5-112838681-T-TA. GRCh37 (hg19) VCF-style: chr5-112174378-T-TA.
Other names: c.3090dup, p.Tyr1031fs (NM_001127510.3, NM_001354895.2); c.3036dup, p.Tyr1013fs (NM_001127511.3); c.3144dup, p.Tyr1049fs (NM_001354896.2); c.3120dup, p.Tyr1041fs (NM_001354897.2); c.3015dup, p.Tyr1006fs (NM_001354898.2); c.3006dup, p.Tyr1003fs (NM_001354899.2); c.2967dup, p.Tyr990fs (NM_001354900.2); c.2913dup, p.Tyr972fs (NM_001354901.2); and 6 more; short protein forms Y1003fs, Y1013fs, Y1049fs, Y972fs, Y748fs, Y1031fs, Y1041fs, Y871fs.
Identifiers: ClinVar variation 469906 (VCV000469906.9), dbSNP rs1554084685, ClinGen allele CA658655908.
Genomic context (GRCh38, chr5:112,838,681, plus strand): 5'-TAGTGCAAATCATATGGATGATAATGATGGAGAACTAGATACACCAATAAATTATAGTCT[T>TA]AAATATTCAGATGAGCAGTTGAACTCTGGAAGGCAAAGTCCTTCACAGAATGAAAGATGG-3'